The following is an entry in ClinVar:

NM_052947.4(ALPK2):c.1391G>A (p.Gly464Glu)

Gene: ALPK2 (alpha kinase 2; minus strand). Cytogenetic location: 18q21.31.
Variant type: single nucleotide variant.
Coding change: c.1391G>A on transcript NM_052947.4 (MANE Select); coding-DNA position 1391, G replaced by A.
Protein change: p.Gly464Glu; replaces glycine 464 with glutamic acid.
Molecular consequence: missense variant.
Genome position (GRCh38, 1-based): chr18:58,579,385, C>T on the plus strand (G>A on the coding strand, the complement: ALPK2 is on the minus strand). VCF-style: chr18-58579385-C-T. GRCh37 (hg19) VCF-style: chr18-56246617-C-T.
Other names: short protein forms G464E.
Identifiers: ClinVar variation 1771563 (VCV001771563.3), dbSNP rs2518899018, ClinGen allele CA402563234.

ClinVar aggregate classification (germline): Uncertain significance (1 of 4 stars; one submission).

Submission:

Ambry Genetics
Classification: Uncertain significance. Last evaluated: 2024-05-09. Review status: criteria provided, single submitter. Criteria: Ambry Variant Classification Scheme 2023. Collection method: clinical testing. Allele origin: germline.
Comment: The p.G464E variant (also known as c.1391G>A), located in coding exon 3 of the ALPK2 gene, results from a G to A substitution at nucleotide position 1391. The glycine at codon 464 is replaced by glutamic acid, an amino acid with similar properties. This amino acid position is conserved. In addition, the in silico prediction for this alteration is inconclusive. Since supporting evidence is limited at this time, the clinical significance of this alteration remains unclear.